The following is an entry in ClinVar:

ClinVar aggregate classification (germline): Uncertain significance (1 of 4 stars; one submission).

Submission:

Labcorp Genetics (formerly Invitae), Labcorp
Classification: Uncertain significance. Last evaluated: 2024-03-21. Review status: criteria provided, single submitter. Criteria: Invitae Variant Classification Sherloc (09022015). Collection method: clinical testing. Allele origin: germline.
Comment: This sequence change replaces threonine, which is neutral and polar, with serine, which is neutral and polar, at codon 127 of the FLAD1 protein (p.Thr127Ser). This variant is not present in population databases (gnomAD no frequency). This variant has not been reported in the literature in individuals affected with FLAD1-related conditions. An algorithm developed to predict the effect of missense changes on protein structure and function (PolyPhen-2) suggests that this variant is likely to be disruptive. In summary, the available evidence is currently insufficient to determine the role of this variant in disease. Therefore, it has been classified as a Variant of Uncertain Significance.

NM_025207.5(FLAD1):c.380C>G (p.Thr127Ser)

Gene: FLAD1 (flavin adenine dinucleotide synthetase 1; plus strand). Cytogenetic location: 1q21.3.
Variant type: single nucleotide variant.
Coding change: c.380C>G on transcript NM_025207.5 (MANE Select); coding-DNA position 380, C replaced by G.
Protein change: p.Thr127Ser; replaces threonine 127 with serine.
Molecular consequence: missense variant.
Genome position (GRCh38, 1-based): chr1:154,988,112, C>G. VCF-style: chr1-154988112-C-G. GRCh37 (hg19) VCF-style: chr1-154960588-C-G.
Other names: c.89C>G, p.Thr30Ser (NM_001184891.2, NM_201398.3); c.83C>G, p.Thr28Ser (NM_001184892.2); short protein forms T127S, T30S, T28S.
Identifiers: ClinVar variation 3646055 (VCV003646055.2).